The following is an entry in ClinVar:

ClinVar aggregate classification (germline): Likely pathogenic. Review status: criteria provided, single submitter (1 of 4 stars). 2 submissions from 2 submitters: Likely pathogenic (1). 1 of the submissions does not count toward it. Last evaluated 2023-07-17.

Conditions:
Hypercholesterolemia, autosomal dominant, type B (FHCL2). Also called: Familial Hypercholesterolemia Type B; Hyperlipoproteinemia Type IIb; Familial hypercholesterolemia 2; APOB-Related Familial Hypercholesterolemia, Autosomal Dominant; APOLIPOPROTEIN B-100, FAMILIAL DEFECTIVE; APOLIPOPROTEIN B-100, FAMILIAL LIGAND-DEFECTIVE. Identifiers: MedGen C1704417, MONDO:0007751, OMIM 144010.
Familial hypobetalipoproteinemia 1. Also called: APOB-Related Familial Hypobetalipoproteinemia; Hypobetalipoproteinemia, normotriglyceridemic; Acanthocytosis with hypobetalipoproteinemia. Identifiers: MedGen C4551990, MONDO:0014252, OMIM 615558.
Familial hypobetalipoproteinemia (FHBL). Also called: Hypobetalipoproteinemia, familial, associated with apob39; Hypobetalipoproteinemia, familial, associated with apob40; Hypobetalipoproteinemia, familial, associated with apob90 or apob89; Hypobetalipoproteinemia, familial, associated with apob46; Hypobetalipoproteinemia, familial, associated with apob87; Hypobetalipoproteinemia, familial, associated with apob31. Identifiers: MedGen C1862596.

Allele frequency attached by ClinVar (database versions not stated): gnomAD exomes below 0.00001.
gnomAD v4.1: 2 of 1,519,592 alleles (0.00013%); highest among the groups gnomAD compares: Non-Finnish European, 0.000091%; no homozygotes.

Submissions (2):

Labcorp Genetics (formerly Invitae), Labcorp
Classification: Likely pathogenic for Familial hypobetalipoproteinemia 1; Hypercholesterolemia, autosomal dominant, type B. Last evaluated: 2023-07-17. Review status: criteria provided, single submitter. Criteria: Invitae Variant Classification Sherloc (09022015). Collection method: clinical testing. Allele origin: germline.
Comment: In summary, the currently available evidence indicates that the variant is pathogenic, but additional data are needed to prove that conclusively. Therefore, this variant has been classified as Likely Pathogenic. Algorithms developed to predict the effect of sequence changes on RNA splicing suggest that this variant may disrupt the consensus splice site. ClinVar contains an entry for this variant (Variation ID: 17898). Disruption of this splice site has been observed in individual(s) with homozygous familial hypobetalipoproteinemia (PMID: 11940084). This variant is not present in population databases (gnomAD no frequency). This sequence change affects an acceptor splice site in intron 7 of the APOB gene. It is expected to disrupt RNA splicing. Variants that disrupt the donor or acceptor splice site typically lead to a loss of protein function (PMID: 16199547), and loss-of-function variants in APOB are known to be pathogenic (PMID: 20032471).

OMIM
Classification: Pathogenic for HYPOBETALIPOPROTEINEMIA, FAMILIAL. Last evaluated: 2002-02-01. Review status: no assertion criteria provided. Collection method: literature only. Allele origin: germline. Not counted in ClinVar's aggregate classification.

Literature cited by the submitters: PubMed 11940084 (cited by Labcorp Genetics (formerly Invitae), Labcorp and OMIM); PubMed 16199547 (cited by Labcorp Genetics (formerly Invitae), Labcorp); PubMed 20032471 (cited by Labcorp Genetics (formerly Invitae), Labcorp).

NM_000384.3(APOB):c.819-2A>G

Gene: APOB (apolipoprotein B; minus strand). Cytogenetic location: 2p24.1.
Variant type: single nucleotide variant.
Coding change: c.819-2A>G on transcript NM_000384.3 (MANE Select); the canonical splice acceptor site of the intron before coding-DNA position 819, A replaced by G.
Molecular consequence: splice acceptor variant.
Genome position (GRCh38, 1-based): chr2:21,034,903, T>C on the plus strand (A>G on the coding strand, the complement: APOB is on the minus strand). VCF-style: chr2-21034903-T-C. GRCh37 (hg19) VCF-style: chr2-21257775-T-C.
Other names: IVS7AS, A-G, -2.
Identifiers: ClinVar variation 17898 (VCV000017898.11), dbSNP rs1572800245, ClinGen allele CA345960911.